The following is an entry in ClinVar:

NM_000553.6(WRN):c.109A>T (p.Lys37Ter)

Gene: WRN (WRN RecQ like helicase; plus strand). Cytogenetic location: 8p12.
Variant type: single nucleotide variant.
Coding change: c.109A>T on transcript NM_000553.6 (MANE Select); coding-DNA position 109, A replaced by T.
Protein change: p.Lys37Ter; replaces lysine 37 with a stop codon.
Molecular consequence: nonsense.
Genome position (GRCh38, 1-based): chr8:31,059,165, A>T. VCF-style: chr8-31059165-A-T. GRCh37 (hg19) VCF-style: chr8-30916681-A-T.
Other names: short protein forms K37*.
Identifiers: ClinVar variation 2719173 (VCV002719173.3), dbSNP rs2487269253, ClinGen allele CA370912335.

ClinVar aggregate classification (germline): Pathogenic (1 of 4 stars; one submission).

Conditions:
Werner syndrome (WRN). Identifiers: Orphanet 902, MedGen C0043119, MONDO:0010196, OMIM 277700.

Submission:

Labcorp Genetics (formerly Invitae), Labcorp
Classification: Pathogenic for Werner syndrome. Last evaluated: 2023-05-25. Review status: criteria provided, single submitter. Criteria: Invitae Variant Classification Sherloc (09022015). Collection method: clinical testing. Allele origin: germline.
Comment: For these reasons, this variant has been classified as Pathogenic. Algorithms developed to predict the effect of sequence changes on RNA splicing suggest that this variant may disrupt the consensus splice site. This variant has not been reported in the literature in individuals affected with WRN-related conditions. This variant is not present in population databases (gnomAD no frequency). This sequence change creates a premature translational stop signal (p.Lys37*) in the WRN gene. It is expected to result in an absent or disrupted protein product. Loss-of-function variants in WRN are known to be pathogenic (PMID: 16673358).

Literature cited by the submitters: PubMed 16673358.